The following is an entry in ClinVar:

NM_002528.7(NTHL1):c.184G>T (p.Gly62Cys)

Gene: NTHL1 (nth like DNA glycosylase 1; minus strand). Cytogenetic location: 16p13.3.
Variant type: single nucleotide variant.
Coding change: c.184G>T on transcript NM_002528.7 (MANE Select); coding-DNA position 184, G replaced by T.
Protein change: p.Gly62Cys; replaces glycine 62 with cysteine.
Molecular consequence: missense variant.
Genome position (GRCh38, 1-based): chr16:2,046,298, C>A on the plus strand (G>T on the coding strand, the complement: NTHL1 is on the minus strand). VCF-style: chr16-2046298-C-A. GRCh37 (hg19) VCF-style: chr16-2096299-C-A.
Other names: c.184G>T, p.Gly62Cys (NM_001318193.2); c.6G>T, p.Arg2Ser (NM_001318194.2); short protein forms R2S, G62C.
Identifiers: ClinVar variation 3694290 (VCV003694290.2).
Genomic context (GRCh38, chr16:2,046,298, plus strand): 5'-GGGGCTCCCAGACTGGCACCTTGAGGGGCTCAGCCCCCTCACCTTTCTCACTGTCCGAGC[C>A]CTCATAGGCCACACGCAGTCTCTGTGCTTTCCGCGGACGCTTCACGGGGCTGTGGCTTTT-3'
Protein context (NP_002519.2, residues 52-72): KAQRLRVAYE[Gly62Cys]SDSEKGEGAE

ClinVar aggregate classification (germline): Uncertain significance (1 of 4 stars; one submission).

Submission:

Labcorp Genetics (formerly Invitae), Labcorp
Classification: Uncertain significance. Last evaluated: 2024-08-27. Review status: criteria provided, single submitter. Criteria: Invitae Variant Classification Sherloc (09022015). Collection method: clinical testing. Allele origin: germline.
Comment: This sequence change replaces glycine, which is neutral and non-polar, with cysteine, which is neutral and slightly polar, at codon 70 of the NTHL1 protein (p.Gly70Cys). This variant is not present in population databases (gnomAD no frequency). This variant has not been reported in the literature in individuals affected with NTHL1-related conditions. An algorithm developed to predict the effect of missense changes on protein structure and function (PolyPhen-2) suggests that this variant is likely to be tolerated. In summary, the available evidence is currently insufficient to determine the role of this variant in disease. Therefore, it has been classified as a Variant of Uncertain Significance.